The following is an entry in ClinVar:

NM_000529.2(MC2R):c.*111G>A

Gene: MC2R (melanocortin 2 receptor; minus strand). Cytogenetic location: 18p11.21.
Variant type: single nucleotide variant.
Coding change: c.*111G>A on transcript NM_000529.2 (MANE Select); 111 bases downstream of the stop codon, G replaced by A.
Molecular consequence: 3 prime UTR variant.
Genome position (GRCh38, 1-based): chr18:13,884,514, C>T on the plus strand (G>A on the coding strand, the complement: MC2R is on the minus strand). VCF-style: chr18-13884514-C-T. GRCh37 (hg19) VCF-style: chr18-13884513-C-T.
Other names: c.*111G>A (NM_001291911.1).
Identifiers: ClinVar variation 326188 (VCV000326188.6), dbSNP rs4797824, ClinGen allele CA10650581.

ClinVar aggregate classification (germline): Benign. Review status: criteria provided, multiple submitters, no conflicts (2 of 4 stars). 2 submissions from 2 submitters: Benign (2). Last evaluated 2018-01-13.

Conditions:
Glucocorticoid deficiency 1 (GCCD1). Also called: FAMILIAL GLUCOCORTICOID DEFICIENCY 1; Adrenal unresponsiveness to acth; Glucocorticoid deficiency, due to ACTH unresponsiveness. Identifiers: Orphanet 361, MedGen C4049650, MONDO:0024536, OMIM 202200.

Allele frequency attached by ClinVar (database versions not stated): 1000 Genomes Project 0.21426; 1000 Genomes Project 30x 0.21471; TOPMed 0.26779; gnomAD 0.27676 and 0.28031; gnomAD exomes 0.30386.
gnomAD v4.1: 356,880 of 1,188,524 alleles (30%); highest among the groups gnomAD compares: Middle Eastern, 34%; 55,618 homozygotes.

Submissions (2):

Illumina Laboratory Services, Illumina
Classification: Benign for Glucocorticoid deficiency 1. Last evaluated: 2018-01-13. Review status: criteria provided, single submitter. Criteria: ICSL Variant Classification Criteria 13 December 2019. Collection method: clinical testing. Allele origin: germline.
Comment: This variant was observed in the ICSL laboratory as part of a predisposition screen in an ostensibly healthy population. It had not been previously curated by ICSL or reported in the Human Gene Mutation Database (HGMD: prior to June 1st, 2018), and was therefore a candidate for classification through an automated scoring system. Utilizing variant allele frequency, disease prevalence and penetrance estimates, and inheritance mode, an automated score was calculated to assess if this variant is too frequent to cause the disease. Based on the score and internal cut-off values, a variant classified as benign is not then subjected to further curation. The score for this variant resulted in a classification of benign for this disease.

Breakthrough Genomics
Classification: Benign. Review status: criteria provided, single submitter. Criteria: ACMG Guidelines, 2015. Collection method: not provided. Allele origin: germline. Inheritance: Autosomal recessive inheritance. Affected: yes.